The following is an entry in ClinVar:

NM_001845.6(COL4A1):c.4720T>C (p.Trp1574Arg)

Gene: COL4A1 (collagen type IV alpha 1 chain; minus strand). Cytogenetic location: 13q34.
Variant type: single nucleotide variant.
Coding change: c.4720T>C on transcript NM_001845.6 (MANE Select); coding-DNA position 4720, T replaced by C.
Protein change: p.Trp1574Arg; replaces tryptophan 1574 with arginine.
Molecular consequence: missense variant.
Genome position (GRCh38, 1-based): chr13:110,155,318, A>G on the plus strand (T>C on the coding strand, the complement: COL4A1 is on the minus strand). VCF-style: chr13-110155318-A-G. GRCh37 (hg19) VCF-style: chr13-110807665-A-G.
Other names: short protein forms W1574R.
Identifiers: ClinVar variation 4882875 (VCV004882875.2).

ClinVar aggregate classification (germline): Uncertain significance (1 of 4 stars; one submission).

Submission:

Dasa
Classification: Uncertain significance. Last evaluated: 2025-01-27. Review status: criteria provided, single submitter. Criteria: DASA Assertion Criteria. Collection method: clinical testing. Allele origin: germline.
Comment: NM_001845.6(COL4A1):c.4720T>C (p.Trp1574Arg) is a missense variant that results in the substitution of tryptophan with arginine. This variant is absent from population databases. Computational prediction algorithms are consistent with a deleterious effect. The currently available literature and clinical evidence are not sufficient to establish a definitive association between this variant and the reported condition. Therefore, this variant is classified as a variant of uncertain significance.